The following is an entry in ClinVar:

NM_016284.5(CNOT1):c.1025T>C (p.Ile342Thr)

Gene: CNOT1 (CCR4-NOT transcription complex subunit 1; minus strand). Cytogenetic location: 16q21.
Variant type: single nucleotide variant.
Coding change: c.1025T>C on transcript NM_016284.5 (MANE Select); coding-DNA position 1025, T replaced by C.
Protein change: p.Ile342Thr; replaces isoleucine 342 with threonine.
Molecular consequence: missense variant. On other transcripts: non-coding transcript variant (1).
Genome position (GRCh38, 1-based): chr16:58,582,812, A>G on the plus strand (T>C on the coding strand, the complement: CNOT1 is on the minus strand). VCF-style: chr16-58582812-A-G. GRCh37 (hg19) VCF-style: chr16-58616716-A-G.
Other names: c.1025T>C, p.Ile342Thr (NM_001265612.2, NM_206999.3); short protein forms I342T.
Identifiers: ClinVar variation 4072505 (VCV004072505.1).

ClinVar aggregate classification (germline): Uncertain significance (1 of 4 stars; one submission).

Submission:

GeneDx
Classification: Uncertain significance. Last evaluated: 2025-01-29. Review status: criteria provided, single submitter. Criteria: GeneDx Variant Classification Process June 2021. Collection method: clinical testing. Allele origin: germline. Affected: yes.
Comment: Not observed at significant frequency in large population cohorts (gnomAD); In silico analysis supports that this missense variant has a deleterious effect on protein structure/function; Has not been previously published as pathogenic or benign to our knowledge